The following is an entry in ClinVar:

NM_004357.5(CD151):c.84+20CCCCCA[4]

Gene: CD151 (CD151 molecule (Raph blood group); plus strand). Cytogenetic location: 11p15.5.
Variant type: Microsatellite.
Coding change: c.84+20CCCCCA[4] on transcript NM_004357.5 (MANE Select); four copies in a row of the 6-base unit CCCCCA starting at c.84+20.
Molecular consequence: intron variant.
Genome position: GRCh38 VCF-style: chr11-836172-G-GCCCCCA. GRCh37 (hg19) VCF-style: chr11-836172-G-GCCCCCA.
Other names: c.84+20CCCCCA[4] (NM_139030.4, NM_139029.2, NM_001039490.2).
Identifiers: ClinVar variation 1556161 (VCV001556161.9), dbSNP rs34987505, ClinGen allele CA5792029.

ClinVar aggregate classification (germline): Benign/Likely benign. Review status: criteria provided, multiple submitters, no conflicts (2 of 4 stars). 3 submissions from 3 submitters: Benign (1); Likely benign (2). Last evaluated 2026-02-04.

Submissions (3):

Labcorp Genetics (formerly Invitae), Labcorp
Classification: Benign. Last evaluated: 2026-02-04. Review status: criteria provided, single submitter. Criteria: Invitae Variant Classification Sherloc (09022015). Collection method: clinical testing. Allele origin: germline.

Blueprint Genetics
Classification: Likely benign. Last evaluated: 2024-11-26. Review status: criteria provided, single submitter. Criteria: ACMG Guidelines, 2015. Collection method: clinical testing. Allele origin: germline.

GeneDx
Classification: Likely benign. Last evaluated: 2019-11-13. Review status: criteria provided, single submitter. Criteria: GeneDx Variant Classification Process June 2021. Collection method: clinical testing. Allele origin: germline. Affected: yes.
Comment: See Variant Classification Assertion Criteria.